The following is an entry in ClinVar:

NM_004329.3(BMPR1A):c.30A>G (p.Leu10=)

Gene: BMPR1A (bone morphogenetic protein receptor type 1A; plus strand). Cytogenetic location: 10q23.2.
Variant type: single nucleotide variant.
Coding change: c.30A>G on transcript NM_004329.3 (MANE Select); coding-DNA position 30, A replaced by G.
Protein change: p.Leu10=; no amino-acid change (leucine 10 retained).
Molecular consequence: synonymous variant.
Genome position (GRCh38, 1-based): chr10:86,876,048, A>G. VCF-style: chr10-86876048-A-G. GRCh37 (hg19) VCF-style: chr10-88635805-A-G.
Identifiers: ClinVar variation 186157 (VCV000186157.17), dbSNP rs754752449, ClinGen allele CA194013.

ClinVar aggregate classification (germline): Benign/Likely benign. Review status: criteria provided, multiple submitters, no conflicts (2 of 4 stars). 4 submissions from 4 submitters: Benign (1); Likely benign (2). 1 of the submissions does not count toward it. Last evaluated 2025-12-09.

Conditions:
Juvenile polyposis syndrome (JPS). Identifiers: Orphanet 2929, MedGen C0345893, MONDO:0017380, OMIM 174900.
Hereditary cancer-predisposing syndrome. Also called: Hereditary Cancer Syndrome; Neoplastic Syndromes, Hereditary; Tumor predisposition; Hereditary neoplastic syndrome. Identifiers: Orphanet 140162, MedGen C0027672, MeSH D009386, MONDO:0015356.
BMPR1A-related disorder. Also called: BMPR1A-related condition.

Allele frequency attached by ClinVar (database versions not stated): gnomAD exomes below 0.00001 and 0.00002; TOPMed below 0.00001; ExAC 0.00002.
gnomAD v4.1: 5 of 1,611,944 alleles (0.00031%); highest among the groups gnomAD compares: Admixed American, 0.0067%; 1 homozygote.

Submissions (4):

Labcorp Genetics (formerly Invitae), Labcorp
Classification: Likely benign for Juvenile polyposis syndrome. Last evaluated: 2025-12-09. Review status: criteria provided, single submitter. Criteria: Invitae Variant Classification Sherloc (09022015). Collection method: clinical testing. Allele origin: germline.

Myriad Genetics, Inc.
Classification: Benign for Juvenile polyposis syndrome. Last evaluated: 2024-07-30. Review status: criteria provided, single submitter. Criteria: Myriad Autosomal Dominant, Autosomal Recessive and X-Linked Classification Criteria (2023). Collection method: clinical testing. Allele origin: unknown.
Comment: This variant is considered benign. This variant is a silent/synonymous amino acid change and it is not expected to impact splicing.

Ambry Genetics
Classification: Likely benign for Hereditary cancer-predisposing syndrome. Last evaluated: 2014-08-28. Review status: criteria provided, single submitter. Criteria: Ambry Variant Classification Scheme 2023. Collection method: clinical testing. Allele origin: germline.

PreventionGenetics, part of Exact Sciences
Classification: Likely benign for BMPR1A-related condition. Last evaluated: 2023-02-24. Review status: no assertion criteria provided. Collection method: clinical testing. Allele origin: germline. Not counted in ClinVar's aggregate classification.
Comment: This variant is classified as likely benign based on ACMG/AMP sequence variant interpretation guidelines (Richards et al. 2015 PMID: 25741868, with internal and published modifications).